The following is an entry in ClinVar:

ClinVar aggregate classification (germline): Uncertain significance (0 of 4 stars; one submission).

Conditions:
UBN2-related disorder. Also called: UBN2-related condition.

gnomAD v4.1: 1 of 1,608,120 alleles (0.000062%); highest among the groups gnomAD compares: Non-Finnish European, 0.000085%; no homozygotes.

Submission:

PreventionGenetics, part of Exact Sciences
Classification: Uncertain significance for UBN2-related condition. Last evaluated: 2024-06-03. Review status: no assertion criteria provided. Collection method: clinical testing. Allele origin: germline.
Comment: The UBN2 c.1791A>G variant is predicted to result in the amino acid substitution p.Ile597Met. To our knowledge, this variant has not been reported in the literature or in a large population database, indicating this variant is rare. At this time, the clinical significance of this variant is uncertain due to the absence of conclusive functional and genetic evidence.

NM_173569.4(UBN2):c.1791A>G (p.Ile597Met)

Gene: UBN2 (ubinuclein 2; plus strand). Cytogenetic location: 7q34.
Variant type: single nucleotide variant.
Coding change: c.1791A>G on transcript NM_173569.4 (MANE Select); coding-DNA position 1791, A replaced by G.
Protein change: p.Ile597Met; replaces isoleucine 597 with methionine.
Molecular consequence: missense variant.
Genome position (GRCh38, 1-based): chr7:139,273,372, A>G. VCF-style: chr7-139273372-A-G. GRCh37 (hg19) VCF-style: chr7-138958118-A-G.
Other names: short protein forms I597M.
Identifiers: ClinVar variation 3344553 (VCV003344553.1).
Genomic context (GRCh38, chr7:139,273,372, plus strand): 5'-AGAACGAGAAAAAAATGGATCTGAAGAGGATGATGATGAGAAACCAGGAAAACGTGTCAT[A>G]GGACCAAGAAAGAAATTCCACTGGGATGACACTATCAGGTAAGATTTAATTAGTTTTCAC-3'
Protein context (NP_775840.3, residues 587-607): DDDEKPGKRV[Ile597Met]GPRKKFHWDD